The following is an entry in ClinVar:

ClinVar aggregate classification (germline): Likely benign. Review status: criteria provided, multiple submitters, no conflicts (2 of 4 stars). 2 submissions from 2 submitters: Likely benign (2). Last evaluated 2026-06-21.

Conditions:
IFT172-related disorder. Also called: IFT172-related condition; IFT172-related disorders.
Short-rib thoracic dysplasia 10 with or without polydactyly (SRTD10). Identifiers: Orphanet 474, MedGen C3810175, MONDO:0014284, OMIM 615630.
Retinitis pigmentosa 71 (RP71). Identifiers: Orphanet 791, MedGen C4225342, MONDO:0014618, OMIM 616394.

gnomAD v4.1: 1 of 1,614,178 alleles (0.000062%); highest among the groups gnomAD compares: Non-Finnish European, 0.000085%; no homozygotes.

Submissions (2):

PreventionGenetics, part of Exact Sciences
Classification: Likely benign for IFT172-related condition. Last evaluated: 2026-06-21. Review status: criteria provided, single submitter. Criteria: ACMG Guidelines, 2015. Collection method: clinical testing. Allele origin: germline.
Comment: This variant is classified as likely benign based on ACMG/AMP sequence variant interpretation guidelines (Richards et al. 2015 PMID: 25741868, with internal and published modifications).

Labcorp Genetics (formerly Invitae), Labcorp
Classification: Likely benign for Retinitis pigmentosa 71; Short-rib thoracic dysplasia 10 with or without polydactyly. Last evaluated: 2023-11-07. Review status: criteria provided, single submitter. Criteria: Invitae Variant Classification Sherloc (09022015). Collection method: clinical testing. Allele origin: germline.

NM_015662.3(IFT172):c.1023G>C (p.Leu341=)

Gene: IFT172 (intraflagellar transport 172; minus strand). Cytogenetic location: 2p23.3.
Variant type: single nucleotide variant.
Coding change: c.1023G>C on transcript NM_015662.3 (MANE Select); coding-DNA position 1023, G replaced by C.
Protein change: p.Leu341=; no amino-acid change (leucine 341 retained).
Molecular consequence: synonymous variant.
Genome position (GRCh38, 1-based): chr2:27,478,139, C>G on the plus strand (G>C on the coding strand, the complement: IFT172 is on the minus strand). VCF-style: chr2-27478139-C-G. GRCh37 (hg19) VCF-style: chr2-27701006-C-G.
Other names: c.1023G>C (NM_015662.2); c.1023G>C, p.Leu341= (NM_001410739.1).
Identifiers: ClinVar variation 2924576 (VCV002924576.4), dbSNP rs1467208806, ClinGen allele CA425413363.
Genomic context (GRCh38, chr2:27,478,139, plus strand): 5'-TTTCACCTCTTCCACCTCATAGCCATAGTGTGACTTGAGCACCACTCGGGTTCCTGATGA[C>G]AGGTTCTTCACAATCACCTTGGTAAAGGACAAGTGTGAGCCCCTTAGGCTTCCCCAGCCC-3'
Protein context (NP_056477.1, residues 331-351): VGPSQVIVKN[Leu341=]SSGTRVVLKS